The following is an entry in ClinVar:

ClinVar aggregate classification (germline): Conflicting classifications of pathogenicity. Review status: criteria provided, conflicting classifications (1 of 4 stars). 3 submissions from 3 submitters: Uncertain significance (1); Likely benign (2). Last evaluated 2026-02-27.

Conditions:
Hereditary von Willebrand disease. Identifiers: Orphanet 903, MedGen C5703318, MONDO:0019565. Inheritance: Autosomal recessive or Autosomal dominant.

Allele frequency attached by ClinVar (database versions not stated): 1000 Genomes Project 30x 0.00016; 1000 Genomes Project 0.00020; ExAC 0.00024; gnomAD exomes 0.00033 and 0.00080; TOPMed 0.00043; gnomAD 0.00046 and 0.00051; ESP Exome Variant Server 0.00092.
gnomAD v4.1: 1,210 of 1,613,286 alleles (0.075%); highest among the groups gnomAD compares: Non-Finnish European, 0.099%; 1 homozygote.

Submissions (3):

Women's Health and Genetics/Laboratory Corporation of America, LabCorp
Classification: Likely benign. Last evaluated: 2026-02-27. Review status: criteria provided, single submitter. Criteria: LabCorp Variant Classification Summary - May 2015. Collection method: clinical testing. Allele origin: germline.
Comment: Variant summary: VWF c.2281+13C>T alters a non-conserved nucleotide located at a position not widely known to affect splicing. Consensus agreement among computation tools predict no significant impact on normal splicing. However, these predictions have yet to be confirmed by functional studies. The variant allele was found at a frequency of 0.00075 in 1613286 control chromosomes, predominantly at a frequency of 0.00099 within the Non-Finnish European subpopulation in the gnomAD database, including 1 homozygote. This frequency is not significantly higher than estimated for disease-causing variants in VWF, allowing no conclusion about variant significance. c.2281+13C>T has been reported in the literature in at least an individual affected with clinical features of Von Willebrand Disease (example: James_2007). However, the authors have referred to this variant as a polymorphism.These report(s) do not provide unequivocal conclusions about association of the variant with Von Willebrand Disease. To our knowledge, no experimental evidence demonstrating an impact on protein function has been reported. The following publications have been ascertained in the context of this evaluation (PMID: 17190853, 37872709). ClinVar contains an entry for this variant (Variation ID: 310075). Based on the evidence outlined above, the variant was classified as likely benign.

Blueprint Genetics
Classification: Likely benign. Last evaluated: 2024-07-18. Review status: criteria provided, single submitter. Criteria: ACMG Guidelines, 2015. Collection method: clinical testing. Allele origin: germline.

Illumina Laboratory Services, Illumina
Classification: Uncertain significance for von Willebrand disorder. Last evaluated: 2018-01-13. Review status: criteria provided, single submitter. Criteria: ICSL Variant Classification Criteria 13 December 2019. Collection method: clinical testing. Allele origin: germline.

Literature cited by the submitters: PubMed 17190853 (cited by Women's Health and Genetics/Laboratory Corporation of America, LabCorp); PubMed 37872709 (cited by Women's Health and Genetics/Laboratory Corporation of America, LabCorp).

NM_000552.5(VWF):c.2281+13C>T

Gene: VWF (von Willebrand factor; minus strand). Cytogenetic location: 12p13.31.
Variant type: single nucleotide variant.
Coding change: c.2281+13C>T on transcript NM_000552.5 (MANE Select); 13 bases into the intron after coding-DNA position 2281, C replaced by T.
Molecular consequence: intron variant.
Genome position (GRCh38, 1-based): chr12:6,046,710, G>A on the plus strand (C>T on the coding strand, the complement: VWF is on the minus strand). VCF-style: chr12-6046710-G-A. GRCh37 (hg19) VCF-style: chr12-6155876-G-A.
Identifiers: ClinVar variation 310075 (VCV000310075.8), dbSNP rs183077797, ClinGen allele CA6403127.